The following is an entry in ClinVar:

NM_001130965.3(SUN1):c.2155G>C (p.Glu719Gln)

Gene: SUN1 (Sad1 and UNC84 domain containing 1; plus strand). Cytogenetic location: 7p22.3.
Variant type: single nucleotide variant.
Coding change: c.2155G>C on transcript NM_001130965.3 (MANE Select); coding-DNA position 2155, G replaced by C.
Protein change: p.Glu719Gln; replaces glutamic acid 719 with glutamine.
Molecular consequence: missense variant. On other transcripts: intron variant (12), non-coding transcript variant (3).
Genome position (GRCh38, 1-based): chr7:872,476, G>C. VCF-style: chr7-872476-G-C. GRCh37 (hg19) VCF-style: chr7-912113-G-C.
Other names: c.2263G>C, p.Glu755Gln (NM_001367638.1); c.1696G>C, p.Glu566Gln (NM_001367639.1); c.2335G>C, p.Glu779Gln (NM_001367640.1); c.2437G>C, p.Glu813Gln (NM_001367641.1); c.2398G>C, p.Glu800Gln (NM_001367666.1); c.2197G>C, p.Glu733Gln (NM_001367668.1); c.2182G>C, p.Glu728Gln (NM_001367669.1); c.2005G>C, p.Glu669Gln (NM_001367670.1); and 56 more; short protein forms E481Q, E530Q, E566Q, E602Q, E616Q, E636Q, E658Q, E663Q.
Identifiers: ClinVar variation 3625510 (VCV003625510.3).

ClinVar aggregate classification (germline): Uncertain significance. Review status: criteria provided, multiple submitters, no conflicts (2 of 4 stars). 2 submissions from 2 submitters: Uncertain significance (2). Last evaluated 2025-06-18.

Conditions:
Emery-Dreifuss muscular dystrophy (EDMD). Also called: Scapuloperoneal syndrome, X-linked (formerly); Humeroperoneal neuromuscular disease, (formerly). Identifiers: Orphanet 261, MedGen C0410189, MONDO:0016830.

gnomAD v4.1: 2 of 1,601,150 alleles (0.00012%); highest among the groups gnomAD compares: East Asian, 0.0045%; no homozygotes.

Submissions (2):

Ambry Genetics
Classification: Uncertain significance. Last evaluated: 2025-06-18. Review status: criteria provided, single submitter. Criteria: Ambry Variant Classification Scheme 2023. Collection method: clinical testing. Allele origin: germline.

Labcorp Genetics (formerly Invitae), Labcorp
Classification: Uncertain significance for Emery-Dreifuss muscular dystrophy. Last evaluated: 2024-10-17. Review status: criteria provided, single submitter. Criteria: Invitae Variant Classification Sherloc (09022015). Collection method: clinical testing. Allele origin: germline.
Comment: This sequence change replaces glutamic acid, which is acidic and polar, with glutamine, which is neutral and polar, at codon 719 of the SUN1 protein (p.Glu719Gln). This variant is present in population databases (no rsID available, gnomAD 0.06%). This variant has not been reported in the literature in individuals affected with SUN1-related conditions. An algorithm developed to predict the effect of missense changes on protein structure and function (PolyPhen-2) suggests that this variant is likely to be disruptive. In summary, the available evidence is currently insufficient to determine the role of this variant in disease. Therefore, it has been classified as a Variant of Uncertain Significance.